The following is an entry in ClinVar:

ClinVar aggregate classification (germline): Uncertain significance. Review status: criteria provided, multiple submitters, no conflicts (2 of 4 stars). 2 submissions from 2 submitters: Uncertain significance (2). Last evaluated 2024-12-03.

Conditions:
Epidermolysis bullosa simplex with nail dystrophy (EBS5D). Identifiers: MedGen C4225309, MONDO:0014661, OMIM 616487.
Epidermolysis bullosa simplex 5B, with muscular dystrophy (EBS5B). Also called: EPIDERMOLYSIS BULLOSA SIMPLEX AND LIMB-GIRDLE MUSCULAR DYSTROPHY; Epidermolysis bullosa simplex with muscular dystrophy. Identifiers: Orphanet 257, MedGen C2931072, MONDO:0009181, OMIM 226670.
Epidermolysis bullosa simplex 5C, with pyloric atresia (EBS5C). Also called: PLEC-Related Epidermolysis Bullosa with Pyloric Atresia; Epidermolysis bullosa simplex with pyloric atresia; PLEC1-Related Epidermolysis Bullosa with Pyloric Atresia. Identifiers: Orphanet 158684, MedGen C2677349, MONDO:0012807, OMIM 612138.
Autosomal recessive limb-girdle muscular dystrophy type 2Q (LGMDR17). Also called: MUSCULAR DYSTROPHY, LIMB-GIRDLE, AUTOSOMAL RECESSIVE 17. Identifiers: Orphanet 254361, MedGen C3150989, MONDO:0013390, OMIM 613723.
Epidermolysis bullosa simplex, Ogna type (EBS5A). Also called: Pidermolysis bullosa simplex 5A, Ogna type; EPIDERMOLYSIS BULLOSA SIMPLEX 5A, OGNA TYPE. Identifiers: Orphanet 79401, MedGen C0432317, MONDO:0007555, OMIM 131950.

Allele frequency attached by ClinVar (database versions not stated): gnomAD exomes below 0.00001; gnomAD 0.00001.

Submissions (2):

Revvity Omics, Revvity
Classification: Uncertain significance. Last evaluated: 2024-12-03. Review status: criteria provided, single submitter. Criteria: ACMG Guidelines, 2015. Collection method: clinical testing. Allele origin: germline.

Labcorp Genetics (formerly Invitae), Labcorp
Classification: Uncertain significance for Autosomal recessive limb-girdle muscular dystrophy type 2Q; Epidermolysis bullosa simplex, Ogna type; Epidermolysis bullosa simplex with nail dystrophy; Epidermolysis bullosa simplex 5C, with pyloric atresia; Epidermolysis bullosa simplex 5B, with muscular dystrophy. Last evaluated: 2023-06-16. Review status: criteria provided, single submitter. Criteria: Invitae Variant Classification Sherloc (09022015). Collection method: clinical testing. Allele origin: germline.
Comment: This sequence change replaces alanine, which is neutral and non-polar, with valine, which is neutral and non-polar, at codon 3676 of the PLEC protein (p.Ala3676Val). This variant is present in population databases (no rsID available, gnomAD 0.007%). This variant has not been reported in the literature in individuals affected with PLEC-related conditions. An algorithm developed to predict the effect of missense changes on protein structure and function (PolyPhen-2) suggests that this variant is likely to be disruptive. In summary, the available evidence is currently insufficient to determine the role of this variant in disease. Therefore, it has been classified as a Variant of Uncertain Significance.

NM_201384.3(PLEC):c.10946C>T (p.Ala3649Val)

Gene: PLEC (plectin; minus strand). Cytogenetic location: 8q24.3.
Variant type: single nucleotide variant.
Coding change: c.10946C>T on transcript NM_201384.3 (MANE Select); coding-DNA position 10946, C replaced by T.
Protein change: p.Ala3649Val; replaces alanine 3649 with valine.
Molecular consequence: missense variant.
Genome position (GRCh38, 1-based): chr8:143,918,875, G>A on the plus strand (C>T on the coding strand, the complement: PLEC is on the minus strand). VCF-style: chr8-143918875-G-A. GRCh37 (hg19) VCF-style: chr8-144993043-G-A.
Other names: c.7646C>T, p.Ala2549Val (NM_001410941.1); c.11027C>T, p.Ala3676Val (NM_000445.5); c.10904C>T, p.Ala3635Val (NM_201378.4); c.10880C>T, p.Ala3627Val (NM_201379.3); c.11357C>T, p.Ala3786Val (NM_201380.4); c.10850C>T, p.Ala3617Val (NM_201381.3); c.10946C>T, p.Ala3649Val (NM_201382.4); c.10958C>T, p.Ala3653Val (NM_201383.3); short protein forms A3676V, A3786V, A2549V, A3617V, A3635V, A3649V, A3653V, A3627V.
Identifiers: ClinVar variation 2930660 (VCV002930660.4), dbSNP rs2857813, ClinGen allele CA372495461.